The following is an entry in ClinVar:

ClinVar aggregate classification (germline): Likely pathogenic (1 of 4 stars; one submission).

Conditions:
Lissencephaly due to LIS1 mutation (LIS1). Also called: Isolated Lissencephaly Sequence; PAFAH1B1-Associated Lissencephaly/Subcortical Band Heterotopia; PAFAH1B1-Related Lissencephaly/Subcortical Band Heterotopia. Identifiers: Orphanet 95232, MedGen C4749301, MONDO:0011830, OMIM 607432.

Submission:

Illumina Laboratory Services, Illumina
Classification: Likely pathogenic for Lissencephaly due to LIS1 mutation. Last evaluated: 2023-05-19. Review status: criteria provided, single submitter. Criteria: ICSLVariantClassificationCriteria RUGD 01 April 2020. Collection method: clinical testing. Allele origin: unknown.
Comment: The PAFAH1B1 c.569G>T (p.Gly190Val) missense variant has not, to our knowledge, been reported in the peer-reviewed literature. This variant is not observed in version 2.1.1 or version 3.1.2 of the Genome Aggregation Database. The nucleotide change occurs at the 5' end of exon 7 and multiple lines of computational evidence including splice predictors, suggest the variant may impact the gene or gene product. This variant was identified in a de novo state. Based on the available evidence, the c.569G>T (p.Gly190Val) variant is classified as likely pathogenic for PAFAH1B1-related lissencephaly/subcortical band heterotopia.

NM_000430.4(PAFAH1B1):c.569G>T (p.Gly190Val)

Gene: PAFAH1B1 (platelet activating factor acetylhydrolase 1b regulatory subunit 1; plus strand). Cytogenetic location: 17p13.3.
Variant type: single nucleotide variant.
Coding change: c.569G>T on transcript NM_000430.4 (MANE Select); coding-DNA position 569, G replaced by T.
Protein change: p.Gly190Val; replaces glycine 190 with valine.
Molecular consequence: missense variant.
Genome position (GRCh38, 1-based): chr17:2,672,655, G>T. VCF-style: chr17-2672655-G-T. GRCh37 (hg19) VCF-style: chr17-2575949-G-T.
Other names: short protein forms G190V.
Identifiers: ClinVar variation 2573003 (VCV002573003.1), dbSNP rs2544102409, ClinGen allele CA397641036.
Genomic context (GRCh38, chr17:2,672,655, plus strand): 5'-GATGTTTCATTGCTCTTGGTGGTATATTACTTCATAATATATTGCTGTTATGTGTTTTAG[G>T]CCATGACCACAATGTTTCTTCAGTAGCCATCATGCCCAATGGAGATCATATAGTGTCTGC-3'
Protein context (NP_000421.1, residues 180-200): QGFECIRTMH[Gly190Val]HDHNVSSVAI